The following is an entry in ClinVar:

ClinVar aggregate classification (germline): Uncertain significance (1 of 4 stars; one submission).

gnomAD v4.1: 4 of 1,493,554 alleles (0.00027%); highest among the groups gnomAD compares: Non-Finnish European, 0.00036%; no homozygotes.

Submission:

Ambry Genetics
Classification: Uncertain significance. Last evaluated: 2025-01-19. Review status: criteria provided, single submitter. Criteria: Ambry Variant Classification Scheme 2023. Collection method: clinical testing. Allele origin: germline.
Comment: The p.S1796F variant (also known as c.5387C>T), located in coding exon 22 of the WNK2 gene, results from a C to T substitution at nucleotide position 5387. The serine at codon 1796 is replaced by phenylalanine, an amino acid with highly dissimilar properties. This amino acid position is conserved. In addition, the in silico prediction for this alteration is inconclusive. Based on the available evidence, the clinical significance of this variant remains unclear.

NM_006648.4(WNK2):c.5387C>T (p.Ser1796Phe)

Gene: WNK2 (WNK lysine deficient protein kinase 2; plus strand). Cytogenetic location: 9q22.31.
Variant type: single nucleotide variant.
Coding change: c.5387C>T on transcript NM_006648.4 (MANE Select); coding-DNA position 5387, C replaced by T.
Protein change: p.Ser1796Phe; replaces serine 1796 with phenylalanine.
Molecular consequence: missense variant.
Genome position (GRCh38, 1-based): chr9:93,292,852, C>T. VCF-style: chr9-93292852-C-T. GRCh37 (hg19) VCF-style: chr9-96055134-C-T.
Other names: c.5498C>T, p.Ser1833Phe (NM_001282394.3); short protein forms S1796F, S1833F.
Identifiers: ClinVar variation 3816877 (VCV003816877.1).